The following is an entry in ClinVar:

ClinVar aggregate classification (germline): Uncertain significance (1 of 4 stars; one submission).

gnomAD v4.1: 1 of 1,611,874 alleles (0.000062%); highest among the groups gnomAD compares: Admixed American, 0.0017%; no homozygotes.

Submission:

GeneDx
Classification: Uncertain significance. Last evaluated: 2026-04-15. Review status: criteria provided, single submitter. Criteria: GeneDx Variant Classification Process June 2021. Collection method: clinical testing. Allele origin: germline.
Comment: Not observed at significant frequency in large population cohorts (gnomAD); In silico analysis supports that this missense variant has a deleterious effect on protein structure/function; Has not been previously published as pathogenic or benign to our knowledge

NM_001258392.3(CLPB):c.646G>C (p.Val216Leu)

Gene: CLPB (ClpB family mitochondrial disaggregase; minus strand). Cytogenetic location: 11q13.4.
Variant type: single nucleotide variant.
Coding change: c.646G>C on transcript NM_001258392.3 (MANE Select); coding-DNA position 646, G replaced by C.
Protein change: p.Val216Leu; replaces valine 216 with leucine.
Molecular consequence: missense variant.
Genome position (GRCh38, 1-based): chr11:72,380,281, C>G on the plus strand (G>C on the coding strand, the complement: CLPB is on the minus strand). VCF-style: chr11-72380281-C-G. GRCh37 (hg19) VCF-style: chr11-72091325-C-G.
Other names: c.559G>C, p.Val187Leu (NM_001258393.3); c.511G>C, p.Asp171His (NM_001258394.3); c.646G>C, p.Asp216His (NM_030813.6); short protein forms D171H, D216H, V187L, V216L.
Identifiers: ClinVar variation 5037225 (VCV005037225.1).